The following is an entry in ClinVar:

NM_000186.4(CFH):c.3181T>C (p.Ser1061Pro)

Gene: CFH (complement factor H; plus strand). Cytogenetic location: 1q31.3.
Variant type: single nucleotide variant.
Coding change: c.3181T>C on transcript NM_000186.4 (MANE Select); coding-DNA position 3181, T replaced by C.
Protein change: p.Ser1061Pro; replaces serine 1061 with proline.
Molecular consequence: missense variant.
Genome position (GRCh38, 1-based): chr1:196,743,499, T>C. VCF-style: chr1-196743499-T-C. GRCh37 (hg19) VCF-style: chr1-196712629-T-C.
Other names: short protein forms S1061P.
Identifiers: ClinVar variation 3575613 (VCV003575613.2).

ClinVar aggregate classification (germline): Uncertain significance. Review status: criteria provided, multiple submitters, no conflicts (2 of 4 stars). 2 submissions from 2 submitters: Uncertain significance (2). Last evaluated 2025-10-02.

Conditions:
Basal laminar drusen. Also called: DRUSEN OF BRUCH MEMBRANE; DRUSEN, CUTICULAR; DRUSEN, EARLY ADULT-ONSET, GROUPED. Identifiers: Orphanet 75376, MedGen C0730295, MONDO:0007472, OMIM 126700.
Factor H deficiency (CFHD). Also called: COMPLEMENT FACTOR H DEFICIENCY; CFH DEFICIENCY. Identifiers: Orphanet 200421, MedGen C0398777, MONDO:0012350, OMIM 609814.
Age related macular degeneration 4. Identifiers: MedGen C1853147, MONDO:0012540, OMIM 610698.
Atypical hemolytic-uremic syndrome. Identifiers: Orphanet 2134, MedGen C2931788, MONDO:0016244.
Hemolytic uremic syndrome, atypical, susceptibility to, 1. Also called: AHUS, SUSCEPTIBILITY TO, 1. Identifiers: Orphanet 2134, Orphanet 90038, MedGen C2749604, MONDO:0009335, OMIM 235400. Disease mechanism: Other.

Submissions (2):

Genomenon, Inc
Classification: Uncertain significance for Basal laminar drusen; Age related macular degeneration 4; Atypical hemolytic-uremic syndrome; Factor H deficiency. Last evaluated: 2025-10-02. Review status: criteria provided, single submitter. Criteria: Genomenon Sequence Variant Interpretation Standards - Updated. Collection method: curation. Allele origin: germline. Affected: no.
Comment: CFH p.Ser1061Pro (c.3181T>C) is a missense variant that changes the amino acid at residue 1061 from Serine to Proline. This variant has been reported in the published literature (PMID:15754282;34189567). It is absent or not present at a significant frequency in gnomAD. In conclusion, we classify CFH p.Ser1061Pro (c.3181T>C) as a variant of uncertain significance.

Fulgent Genetics
Classification: Uncertain significance for Basal laminar drusen; Hemolytic uremic syndrome, atypical, susceptibility to, 1; Factor H deficiency; Age related macular degeneration 4. Last evaluated: 2024-05-31. Review status: criteria provided, single submitter. Criteria: ACMG Guidelines, 2015. Collection method: clinical testing. Allele origin: germline.

Literature cited by the submitters: PubMed 15754282 (cited by Genomenon, Inc); PubMed 34189567 (cited by Genomenon, Inc).